The following is an entry in ClinVar:

ClinVar aggregate classification (germline): Uncertain significance (1 of 4 stars; one submission).

Conditions:
Hereditary cancer-predisposing syndrome. Also called: Tumor predisposition; Hereditary Cancer Syndrome; Neoplastic Syndromes, Hereditary; Hereditary neoplastic syndrome. Identifiers: Orphanet 140162, MedGen C0027672, MeSH D009386, MONDO:0015356.

Submission:

Ambry Genetics
Classification: Uncertain significance for Hereditary cancer-predisposing syndrome. Last evaluated: 2019-06-05. Review status: criteria provided, single submitter. Criteria: Ambry Variant Classification Scheme 2023. Collection method: clinical testing. Allele origin: germline.
Comment: The p.Y881F variant (also known as c.2642A>T), located in coding exon 18 of the PDGFRA gene, results from an A to T substitution at nucleotide position 2642. The tyrosine at codon 881 is replaced by phenylalanine, an amino acid with highly similar properties. This amino acid position is highly conserved in available vertebrate species. In addition, this alteration is predicted to be tolerated by in silico analysis. Since supporting evidence is limited at this time, the clinical significance of this alteration remains unclear.

NM_006206.6(PDGFRA):c.2642A>T (p.Tyr881Phe)

Gene: PDGFRA (platelet derived growth factor receptor alpha; plus strand). Cytogenetic location: 4q12.
Variant type: single nucleotide variant.
Coding change: c.2642A>T on transcript NM_006206.6 (MANE Select); coding-DNA position 2642, A replaced by T.
Protein change: p.Tyr881Phe; replaces tyrosine 881 with phenylalanine.
Molecular consequence: missense variant.
Genome position (GRCh38, 1-based): chr4:54,287,509, A>T. VCF-style: chr4-54287509-A-T. GRCh37 (hg19) VCF-style: chr4-55153676-A-T.
Other names: c.2717A>T, p.Tyr906Phe (NM_001347828.2); c.2642A>T, p.Tyr881Phe (NM_001347829.2); c.2681A>T, p.Tyr894Phe (NM_001347830.2); short protein forms Y881F, Y906F, Y894F.
Identifiers: ClinVar variation 821620 (VCV000821620.4), dbSNP rs1577744484, ClinGen allele CA356895311.